The following is an entry in ClinVar:

ClinVar aggregate classification (germline): Benign/Likely benign. Review status: criteria provided, multiple submitters, no conflicts (2 of 4 stars). 14 submissions from 10 submitters: Benign (11); Likely benign (1). 2 of the submissions do not count toward it. Last evaluated 2026-02-03.

Conditions:
Hereditary spherocytosis type 3. Also called: Spherocytosis type 3; SPTA1-Related Spherocytosis. Identifiers: Orphanet 822, MedGen C2678338, MONDO:0010053, OMIM 270970.
Elliptocytosis 2 (EL2). Also called: ELLIPTOCYTOSIS, RHESUS-UNLINKED TYPE. Identifiers: Orphanet 288, MedGen C1851741, MONDO:0007533, OMIM 130600.
Pyropoikilocytosis, hereditary. Also called: Pyropoikilocytosis. Identifiers: MedGen C0520739, MONDO:0009948, OMIM 266140, HP:0004839. Disease mechanism: loss of function.

Allele frequency attached by ClinVar (database versions not stated): gnomAD exomes 0.29220; ExAC 0.29800; 1000 Genomes Project 0.32049; 1000 Genomes Project 30x 0.32823; ESP Exome Variant Server 0.33785; TOPMed 0.33935; gnomAD 0.34201.
gnomAD v4.1: 486,647 of 1,613,644 alleles (30%); highest among the groups gnomAD compares: African/African-American, 46%; 75,757 homozygotes.

Submissions (14):

Labcorp Genetics (formerly Invitae), Labcorp
Classification: Benign. Last evaluated: 2026-02-03. Review status: criteria provided, single submitter. Criteria: Invitae Variant Classification Sherloc (09022015). Collection method: clinical testing. Allele origin: germline.

ARUP Laboratories, Molecular Genetics and Genomics, ARUP Laboratories
Classification: Benign. Last evaluated: 2025-07-31. Review status: criteria provided, single submitter. Criteria: ARUP Molecular Germline Variant Investigation Process 2024. Collection method: clinical testing. Allele origin: germline.

Blueprint Genetics
Classification: Likely benign. Last evaluated: 2024-11-26. Review status: criteria provided, single submitter. Criteria: ACMG Guidelines, 2015. Collection method: clinical testing. Allele origin: germline.

Genome-Nilou Lab
Classification: Benign for Pyropoikilocytosis, hereditary. Last evaluated: 2021-07-15. Review status: criteria provided, single submitter. Criteria: ACMG Guidelines, 2015. Collection method: clinical testing. Allele origin: germline. Affected: no.

Genome-Nilou Lab
Classification: Benign for Hereditary spherocytosis type 3. Last evaluated: 2021-07-15. Review status: criteria provided, single submitter. Criteria: ACMG Guidelines, 2015. Collection method: clinical testing. Allele origin: germline. Affected: no.

Genome-Nilou Lab
Classification: Benign for Elliptocytosis 2. Last evaluated: 2021-07-15. Review status: criteria provided, single submitter. Criteria: ACMG Guidelines, 2015. Collection method: clinical testing. Allele origin: germline. Affected: no.

Illumina Laboratory Services, Illumina
Classification: Benign for Elliptocytosis 2. Last evaluated: 2018-01-13. Review status: criteria provided, single submitter. Criteria: ICSL Variant Classification Criteria 13 December 2019. Collection method: clinical testing. Allele origin: germline.
Comment: This variant was observed in the ICSL laboratory as part of a predisposition screen in an ostensibly healthy population. It had not been previously curated by ICSL or reported in the Human Gene Mutation Database (HGMD: prior to June 1st, 2018), and was therefore a candidate for classification through an automated scoring system. Utilizing variant allele frequency, disease prevalence and penetrance estimates, and inheritance mode, an automated score was calculated to assess if this variant is too frequent to cause the disease. Based on the score and internal cut-off values, a variant classified as benign is not then subjected to further curation. The score for this variant resulted in a classification of benign for this disease.

Illumina Laboratory Services, Illumina
Classification: Benign for Hereditary spherocytosis type 3. Last evaluated: 2018-01-13. Review status: criteria provided, single submitter. Criteria: ICSL Variant Classification Criteria 13 December 2019. Collection method: clinical testing. Allele origin: germline.
Comment: the same text as in the submission from Illumina Laboratory Services, Illumina above.

Illumina Laboratory Services, Illumina
Classification: Benign for Pyropoikilocytosis, hereditary. Last evaluated: 2018-01-13. Review status: criteria provided, single submitter. Criteria: ICSL Variant Classification Criteria 13 December 2019. Collection method: clinical testing. Allele origin: germline.
Comment: the same text as in the submission from Illumina Laboratory Services, Illumina above.

Mayo Clinic Laboratories, Mayo Clinic
Classification: Benign. Last evaluated: 2016-04-16. Review status: criteria provided, single submitter. Criteria: ACMG Guidelines, 2015. Collection method: clinical testing. Allele origin: germline. Observed: 1,327 variant alleles.

Breakthrough Genomics
Classification: Benign. Review status: criteria provided, single submitter. Criteria: ACMG Guidelines, 2015. Collection method: not provided. Allele origin: germline. Inheritance: Autosomal recessive inheritance. Affected: yes.

PreventionGenetics, part of Exact Sciences
Classification: Benign. Review status: criteria provided, single submitter. Criteria: ACMG Guidelines, 2015. Collection method: clinical testing. Allele origin: germline.

Diagnostic Laboratory, Department of Genetics, University Medical Center Groningen
Classification: Benign. Review status: no assertion criteria provided. Collection method: clinical testing. Allele origin: germline. Affected: yes. Study: VKGL Data-share Consensus. Not counted in ClinVar's aggregate classification.

Genome Diagnostics Laboratory, University Medical Center Utrecht
Classification: Benign. Review status: no assertion criteria provided. Collection method: clinical testing. Allele origin: germline. Affected: yes. Study: VKGL Data-share Consensus. Not counted in ClinVar's aggregate classification.

NM_003126.4(SPTA1):c.5292C>A (p.Ala1764=)

Gene: SPTA1 (spectrin alpha, erythrocytic 1; minus strand). Cytogenetic location: 1q23.1.
Variant type: single nucleotide variant.
Coding change: c.5292C>A on transcript NM_003126.4 (MANE Select); coding-DNA position 5292, C replaced by A.
Protein change: p.Ala1764=; no amino-acid change (alanine 1764 retained).
Molecular consequence: synonymous variant.
Genome position (GRCh38, 1-based): chr1:158,636,659, G>T on the plus strand (C>A on the coding strand, the complement: SPTA1 is on the minus strand). VCF-style: chr1-158636659-G-T. GRCh37 (hg19) VCF-style: chr1-158606449-G-T.
Other names: p.Ala1764=.
Identifiers: ClinVar variation 258945 (VCV000258945.36), dbSNP rs3738791, ClinGen allele CA1182363.